The following is an entry in ClinVar:

NM_000784.4(CYP27A1):c.1342C>T (p.Arg448Cys)

Gene: CYP27A1 (cytochrome P450 family 27 subfamily A member 1; plus strand). Cytogenetic location: 2q35.
Variant type: single nucleotide variant.
Coding change: c.1342C>T on transcript NM_000784.4 (MANE Select); coding-DNA position 1342, C replaced by T.
Protein change: p.Arg448Cys; replaces arginine 448 with cysteine.
Molecular consequence: missense variant.
Genome position (GRCh38, 1-based): chr2:218,814,623, C>T. VCF-style: chr2-218814623-C-T. GRCh37 (hg19) VCF-style: chr2-219679346-C-T.
Other names: short protein forms R448C.
Identifiers: ClinVar variation 183278 (VCV000183278.11), dbSNP rs730882199, ClinGen allele CA186041.

ClinVar aggregate classification (germline): Conflicting classifications of pathogenicity. Review status: criteria provided, conflicting classifications (1 of 4 stars). 8 submissions from 7 submitters: Likely pathogenic (1); Uncertain significance (6). 1 of the submissions does not count toward it. Last evaluated 2026-03-09.

Conditions:
Cardiovascular phenotype. Identifiers: MedGen CN230736.
Cholestanol storage disease (CTX). Also called: Cerebrotendinous Xanthomatosis; CTX: Cerebrotendinous xanthomatosis; CEREBRAL CHOLESTERINOSIS. Identifiers: Orphanet 909, MedGen C0238052, MONDO:0008948, OMIM 213700.
Regression of motor development with severe dystonia and corresponding basal ganglia lesions.

Allele frequency attached by ClinVar (database versions not stated): gnomAD 0.00001 and 0.00002; TOPMed 0.00003.
gnomAD v4.1: 45 of 1,614,092 alleles (0.0028%); highest among the groups gnomAD compares: South Asian, 0.018%; no homozygotes.

Submissions (8):

Women's Health and Genetics/Laboratory Corporation of America, LabCorp
Classification: Uncertain significance. Last evaluated: 2026-03-09. Review status: criteria provided, single submitter. Criteria: LabCorp Variant Classification Summary - May 2015. Collection method: clinical testing. Allele origin: germline.
Comment: Variant summary: CYP27A1 c.1342C>T (p.Arg448Cys) results in a non-conservative amino acid change in the encoded protein sequence. Algorithms developed to predict the effect of missense changes on protein structure and function all suggest that this variant is likely to be disruptive. The variant allele was found at a frequency of 3.6e-05 in 250076 control chromosomes. The available data on variant occurrences in the general population are insufficient to allow any conclusion about variant significance. c.1342C>T has been reported in the literature in at-least one individual with choreoathetosis, no cataract and normal levels of cholestanol but not with features of Cerebrotendinous Xanthomatosis (Alazami_2015). It was also observed in the homozygous state in at least 1 individual with motor and language delay and musculoskeletal symptoms, but no indication of ocular features of cholestanol measurement was provided (example, Al Abdi_2023). These report(s) do not provide unequivocal conclusions about association of the variant with Cerebrotendinous Xanthomatosis. To our knowledge, no experimental evidence demonstrating an impact on protein function has been reported. The following publications have been ascertained in the context of this evaluation (PMID: 25558065, 26643207, 36650582, 37644014, 32344004, 40344211, 27431290). ClinVar contains an entry for this variant (Variation ID: 183278). Based on the evidence outlined above, the variant was classified as uncertain significance.

Ambry Genetics
Classification: Uncertain significance for Cardiovascular phenotype. Last evaluated: 2024-11-08. Review status: criteria provided, single submitter. Criteria: Ambry Variant Classification Scheme 2023. Collection method: clinical testing. Allele origin: germline.
Comment: The p.R448C variant (also known as c.1342C>T), located in coding exon 8 of the CYP27A1 gene, results from a C to T substitution at nucleotide position 1342. The arginine at codon 448 is replaced by cysteine, an amino acid with highly dissimilar properties. This variant has been reported in a subject with severe choreoathetosis (Alazami AM et al. Cell Rep, 2015 Jan;10:148-61). This amino acid position is highly conserved in available vertebrate species. In addition, this alteration is predicted to be deleterious by in silico analysis. Based on the available evidence, the clinical significance of this variant remains unclear.

Blueprint Genetics
Classification: Uncertain significance. Last evaluated: 2023-03-30. Review status: criteria provided, single submitter. Criteria: ACMG Guidelines, 2015. Collection method: clinical testing. Allele origin: germline.

Labcorp Genetics (formerly Invitae), Labcorp
Classification: Uncertain significance for Cholestanol storage disease. Last evaluated: 2022-09-01. Review status: criteria provided, single submitter. Criteria: Invitae Variant Classification Sherloc (09022015). Collection method: clinical testing. Allele origin: germline.
Comment: This sequence change replaces arginine, which is basic and polar, with cysteine, which is neutral and slightly polar, at codon 448 of the CYP27A1 protein (p.Arg448Cys). This variant is present in population databases (rs730882199, gnomAD 0.02%). This missense change has been observed in individual(s) with developmental regression and dystonia (PMID: 25558065). ClinVar contains an entry for this variant (Variation ID: 183278). Advanced modeling of protein sequence and biophysical properties (such as structural, functional, and spatial information, amino acid conservation, physicochemical variation, residue mobility, and thermodynamic stability) performed at Invitae indicates that this missense variant is expected to disrupt CYP27A1 protein function. In summary, the available evidence is currently insufficient to determine the role of this variant in disease. Therefore, it has been classified as a Variant of Uncertain Significance.

Fulgent Genetics
Classification: Uncertain significance for Cholestanol storage disease. Last evaluated: 2022-02-14. Review status: criteria provided, single submitter. Criteria: ACMG Guidelines, 2015. Collection method: clinical testing. Allele origin: unknown.

GeneDx
Classification: Uncertain significance. Last evaluated: 2020-06-30. Review status: criteria provided, single submitter. Criteria: GeneDx Variant Classification Process June 2021. Collection method: clinical testing. Allele origin: germline. Affected: yes.
Comment: Observed in a patient with choreoathetosis, no cataracts, and normal cholestanol who underwent whole exome sequencing in published literature (Alazami et al., 2015); In silico analysis supports that this missense variant has a deleterious effect on protein structure/function; This variant is associated with the following publications: (PMID: 25558065)

Genomic Medicine Center of Excellence, King Faisal Specialist Hospital and Research Centre
Classification: Likely pathogenic. Review status: criteria provided, single submitter. Criteria: ACMG Guidelines, 2015. Collection method: research. Allele origin: germline. Affected: yes.

Genomic Medicine Center of Excellence, King Faisal Specialist Hospital and Research Centre
Classification: Likely pathogenic for Regression of motor development with severe dystonia and corresponding basal ganglia lesions. Last evaluated: 2014-12-01. Review status: flagged submission. Criteria: research. Collection method: research. Allele origin: germline. Affected: yes. Not counted in ClinVar's aggregate classification.
ClinVar note: Reason: This record appears to be redundant with a more recent record from the same submitter.
ClinVar note: Notes: SCV000196385 appears to be redundant with SCV000221528.

Literature cited by the submitters: PubMed 25558065 (cited by 4 submitters); PubMed 26643207 (cited by Women's Health and Genetics/Laboratory Corporation of America, LabCorp); PubMed 37644014 (cited by Women's Health and Genetics/Laboratory Corporation of America, LabCorp); PubMed 27431290 (cited by Women's Health and Genetics/Laboratory Corporation of America, LabCorp); PubMed 32344004 (cited by Women's Health and Genetics/Laboratory Corporation of America, LabCorp); PubMed 36650582 (cited by Women's Health and Genetics/Laboratory Corporation of America, LabCorp); PubMed 40344211 (cited by Women's Health and Genetics/Laboratory Corporation of America, LabCorp).